The following is an entry in ClinVar:

ClinVar aggregate classification (germline): Uncertain significance (1 of 4 stars; one submission).

Conditions:
Autosomal dominant childhood-onset proximal spinal muscular atrophy with contractures (SMALED2A). Also called: SPINAL MUSCULAR ATROPHY, LOWER EXTREMITY-PREDOMINANT, 2A, CHILDHOOD ONSET, AUTOSOMAL DOMINANT; Spinal muscular atrophy, lower extremity-predominant, 2A, autosomal dominant. Identifiers: Orphanet 363447, Orphanet 363454, MedGen C4747715, MONDO:0014121, OMIM 615290.

Submission:

Labcorp Genetics (formerly Invitae), Labcorp
Classification: Uncertain significance for Autosomal dominant childhood-onset proximal spinal muscular atrophy with contractures. Last evaluated: 2018-10-02. Review status: criteria provided, single submitter. Criteria: Invitae Variant Classification Sherloc (09022015). Collection method: clinical testing. Allele origin: germline.
Comment: This variant is not present in population databases (ExAC no frequency). This sequence change replaces glycine with arginine at codon 83 of the BICD2 protein (p.Gly83Arg). The glycine residue is moderately conserved and there is a moderate physicochemical difference between glycine and arginine. This variant has not been reported in the literature in individuals with BICD2-related disease. Algorithms developed to predict the effect of missense changes on protein structure and function are either unavailable or do not agree on the potential impact of this missense change (SIFT: "Tolerated"; PolyPhen-2: "Probably Damaging"; Align-GVGD: "Class C0"). In summary, the available evidence is currently insufficient to determine the role of this variant in disease. Therefore, it has been classified as a Variant of Uncertain Significance.

NM_001003800.2(BICD2):c.247G>A (p.Gly83Arg)

Gene: BICD2 (BICD cargo adaptor 2; minus strand). Cytogenetic location: 9q22.31.
Variant type: single nucleotide variant.
Coding change: c.247G>A on transcript NM_001003800.2 (MANE Select); coding-DNA position 247, G replaced by A.
Protein change: p.Gly83Arg; replaces glycine 83 with arginine.
Molecular consequence: missense variant.
Genome position (GRCh38, 1-based): chr9:92,729,230, C>T on the plus strand (G>A on the coding strand, the complement: BICD2 is on the minus strand). VCF-style: chr9-92729230-C-T. GRCh37 (hg19) VCF-style: chr9-95491512-C-T.
Other names: c.247G>A, p.Gly83Arg (NM_015250.4); short protein forms G83R.
Identifiers: ClinVar variation 649720 (VCV000649720.9), dbSNP rs1587675774, ClinGen allele CA374027386.